The following is an entry in ClinVar:

ClinVar aggregate classification (germline): Likely pathogenic. Review status: criteria provided, multiple submitters, no conflicts (2 of 4 stars). 2 submissions from 2 submitters: Likely pathogenic (2). Last evaluated 2025-08-29.

Conditions:
Alport syndrome. Also called: Hemorrhagic familial nephritis; Hemorrhagic hereditary nephritis; Congenital hereditary hematuria. Identifiers: Orphanet 63, MedGen C1567741, MONDO:0018965.
Autosomal recessive Alport syndrome (ATS2). Also called: Alport syndrome type 2; COL4A3-Related Nephropathy; COL4A4 Alport Syndrome and Thin Basement Membrane Nephropathy; ALPORT SYNDROME 2, AUTOSOMAL RECESSIVE. Identifiers: Orphanet 63, Orphanet 88919, MedGen C4746745, MONDO:0008762, OMIM 203780.
Hematuria, benign familial, 1 (BFH1). Also called: THIN MEMBRANE NEPHROPATHY. Identifiers: MedGen CN376803, MONDO:0007709, OMIM 141200.

gnomAD v4.1: 2 of 1,613,972 alleles (0.00012%); highest among the groups gnomAD compares: Non-Finnish European, 0.00017%; no homozygotes.

Submissions (2):

Natera, Inc.
Classification: Likely pathogenic for Alport syndrome. Last evaluated: 2025-08-29. Review status: criteria provided, single submitter. Criteria: Natera Variant Classification Schema (03/2026). Collection method: clinical testing. Allele origin: germline.
Comment: The c.2563G>A variant in COL4A4 is a missense variant predicted to cause substitution of glycine to arginine at amino acid 855. This variant is rare in the general population with a frequency below the threshold expected for the associated phenotype(s). This variant is located in a functionally critical region of the protein. Computational prediction algorithms indicate this variant is likely to affect gene or protein function. Given the available evidence, this variant is classified as Likely Pathogenic.

Fulgent Genetics
Classification: Likely pathogenic for Hematuria, benign familial, 1; Autosomal recessive Alport syndrome. Last evaluated: 2024-06-06. Review status: criteria provided, single submitter. Criteria: ACMG Guidelines, 2015. Collection method: clinical testing. Allele origin: germline.

NM_000092.5(COL4A4):c.2563G>A (p.Gly855Arg)

Gene: COL4A4 (collagen type IV alpha 4 chain; minus strand). Cytogenetic location: 2q36.3.
Variant type: single nucleotide variant.
Coding change: c.2563G>A on transcript NM_000092.5 (MANE Select); coding-DNA position 2563, G replaced by A.
Protein change: p.Gly855Arg; replaces glycine 855 with arginine.
Molecular consequence: missense variant.
Genome position (GRCh38, 1-based): chr2:227,056,098, C>T on the plus strand (G>A on the coding strand, the complement: COL4A4 is on the minus strand). VCF-style: chr2-227056098-C-T. GRCh37 (hg19) VCF-style: chr2-227920814-C-T.
Other names: short protein forms G855R.
Identifiers: ClinVar variation 3585833 (VCV003585833.2).
Genomic context (GRCh38, chr2:227,056,098, plus strand): 5'-GGAGTCCGGGGAGGCCTTTCATTCCAGCTGGCCCGGGAGGCCCCACATCTCCCGGCTGTC[C>T]TTTCCCACCTGGAGCACCTAAGACAAACCACAGTGACCACAGTGTGTGAAGGCTGAACAC-3'
Protein context (NP_000083.3, residues 845-865): PGSPGAPGGK[Gly855Arg]QPGDVGPPGP